The following is an entry in ClinVar:

ClinVar aggregate classification (germline): Likely benign. Review status: criteria provided, multiple submitters, no conflicts (2 of 4 stars). 4 submissions from 4 submitters: Likely benign (4). Last evaluated 2025-06-19.

Conditions:
Borjeson-Forssman-Lehmann syndrome (BFLS). Also called: MENTAL RETARDATION, X-LINKED, SYNDROMIC, BORJESON-FORSSMAN-LEHMANN TYPE; MENTAL RETARDATION, EPILEPSY, AND ENDOCRINE DISORDERS; BORJESON SYNDROME. Identifiers: Orphanet 127, MedGen C0265339, MONDO:0010537, OMIM 301900.
Inborn genetic diseases. Identifiers: MedGen C0950123, MeSH D030342.

Allele frequency attached by ClinVar (database versions not stated): gnomAD 0.00001; gnomAD exomes 0.00002; TOPMed 0.00003; ExAC 0.00004.
gnomAD v4.1: 21 of 1,209,544 alleles (0.0017%); highest among the groups gnomAD compares: Non-Finnish European, 0.0021%; no homozygotes.

Submissions (4):

Labcorp Genetics (formerly Invitae), Labcorp
Classification: Likely benign for Borjeson-Forssman-Lehmann syndrome. Last evaluated: 2025-06-19. Review status: criteria provided, single submitter. Criteria: Invitae Variant Classification Sherloc (09022015). Collection method: clinical testing. Allele origin: germline.

CeGaT Center for Human Genetics Tuebingen
Classification: Likely benign. Last evaluated: 2025-04-01. Review status: criteria provided, single submitter. Criteria: CeGaT Center For Human Genetics Tuebingen Variant Classification Criteria Version 2. Collection method: clinical testing. Allele origin: germline. Affected: yes. Observed: 3 variant alleles.
Comment: PHF6: BP4, BP7, BS2

Blueprint Genetics
Classification: Likely benign. Last evaluated: 2024-11-13. Review status: criteria provided, single submitter. Criteria: ACMG Guidelines, 2015. Collection method: clinical testing. Allele origin: germline.

Ambry Genetics
Classification: Likely benign for Inborn genetic diseases. Last evaluated: 2016-01-19. Review status: criteria provided, single submitter. Criteria: Ambry Variant Classification Scheme 2023. Collection method: clinical testing. Allele origin: germline.

NM_001015877.2(PHF6):c.762A>C (p.Thr254=)

Gene: PHF6 (PHD finger protein 6; plus strand). Cytogenetic location: Xq26.2.
Variant type: single nucleotide variant.
Coding change: c.762A>C on transcript NM_001015877.2 (MANE Select); coding-DNA position 762, A replaced by C.
Protein change: p.Thr254=; no amino-acid change (threonine 254 retained).
Molecular consequence: synonymous variant.
Genome position (GRCh38, 1-based): chrX:134,415,048, A>C. VCF-style: chrX-134415048-A-C. GRCh37 (hg19) VCF-style: chrX-133549078-A-C.
Other names: c.765A>C, p.Thr255= (NM_032335.3); c.762A>C, p.Thr254= (NM_032458.3).
Identifiers: ClinVar variation 1759870 (VCV001759870.32), dbSNP rs754317008, ClinGen allele CA10521262.
Genomic context (GRCh38, chrX:134,415,048, plus strand): 5'-TTAATTTTCCTGCATTTTTCTTCTCTAGTTGTTTTCTTCTGGCACAGTCCAGCTCACAAC[A>C]ACATCAAGAGCAGAATTTGGAGACTTTGATATTAAAACTGTACTTCAGGAGATTAAACGA-3'
Protein context (NP_001015877.1, residues 244-264): LFSSGTVQLT[Thr254=]TSRAEFGDFD